The following is an entry in ClinVar:

NM_014363.6(SACS):c.3471del (p.Pro1158fs)

Gene: SACS (sacsin molecular chaperone; minus strand). Cytogenetic location: 13q12.12.
Variant type: Deletion.
Coding change: c.3471del on transcript NM_014363.6 (MANE Select); coding-DNA position 3471, one base deleted (T; older notation c.3471delT).
Protein change: p.Pro1158fs; shifts the reading frame from proline 1158.
Molecular consequence: frameshift variant.
Genome position (GRCh38, 1-based): chr13:23,340,405, A deleted on the plus strand (T on the coding strand, the reverse complement: SACS is on the minus strand); the first of 2 consecutive A bases (chr13:23,340,405-23,340,406); deleting either gives the same sequence. VCF-style (leftmost placement, unchanged base first): chr13-23340404-GA-G. GRCh37 (hg19) VCF-style: chr13-23914543-GA-G.
Other names: c.3030del, p.Pro1011fs (NM_001278055.2); short protein forms P1158fs, P1011fs.
Identifiers: ClinVar variation 3645392 (VCV003645392.2).

ClinVar aggregate classification (germline): Pathogenic (1 of 4 stars; one submission).

Conditions:
Spastic paraplegia. Identifiers: MedGen C0037772, HP:0001258.

Submission:

Labcorp Genetics (formerly Invitae), Labcorp
Classification: Pathogenic for Spastic paraplegia. Last evaluated: 2024-03-11. Review status: criteria provided, single submitter. Criteria: Invitae Variant Classification Sherloc (09022015). Collection method: clinical testing. Allele origin: germline.
Comment: This sequence change creates a premature translational stop signal (p.Pro1158Glnfs*32) in the SACS gene. While this is not anticipated to result in nonsense mediated decay, it is expected to disrupt the last 3422 amino acid(s) of the SACS protein. This variant is not present in population databases (gnomAD no frequency). This variant has not been reported in the literature in individuals affected with SACS-related conditions. This variant disrupts a region of the SACS protein in which other variant(s) (p.Asn4549Asp) have been determined to be pathogenic (PMID: 15156359, 21507954). This suggests that this is a clinically significant region of the protein, and that variants that disrupt it are likely to be disease-causing. For these reasons, this variant has been classified as Pathogenic.

Literature cited by the submitters: PubMed 15156359; PubMed 21507954.